The following is an entry in ClinVar:

ClinVar aggregate classification (germline): Uncertain significance (1 of 4 stars; one submission).

Allele frequency attached by ClinVar (database versions not stated): gnomAD 0.00003.

Submission:

Ambry Genetics
Classification: Uncertain significance. Last evaluated: 2025-04-10. Review status: criteria provided, single submitter. Criteria: Ambry Variant Classification Scheme 2023. Collection method: clinical testing. Allele origin: germline.
Comment: The c.49A>C (p.T17P) alteration is located in exon (coding exon ) of the SAMD1 gene. This alteration results from a A to C substitution at nucleotide position 49, causing the threonine (T) at amino acid position 17 to be replaced by a proline (P). Based on insufficient or conflicting evidence, the clinical significance of this alteration remains unclear.

NM_138352.3(SAMD1):c.49A>C (p.Thr17Pro)

Gene: SAMD1 (sterile alpha motif domain containing 1; minus strand). Cytogenetic location: 19p13.12.
Variant type: single nucleotide variant.
Coding change: c.49A>C on transcript NM_138352.3 (MANE Select); coding-DNA position 49, A replaced by C.
Protein change: p.Thr17Pro; replaces threonine 17 with proline.
Molecular consequence: missense variant.
Genome position (GRCh38, 1-based): chr19:14,090,372, T>G on the plus strand (A>C on the coding strand, the complement: SAMD1 is on the minus strand). VCF-style: chr19-14090372-T-G. GRCh37 (hg19) VCF-style: chr19-14201184-T-G.
Other names: short protein forms T17P.
Identifiers: ClinVar variation 3157622 (VCV003157622.2), dbSNP rs987964190, ClinGen allele CA305602000.